The following is an entry in ClinVar:

NM_001558.4(IL10RA):c.319C>T (p.Arg107Trp)

Gene: IL10RA (interleukin 10 receptor subunit alpha; plus strand). Cytogenetic location: 11q23.3.
Variant type: single nucleotide variant.
Coding change: c.319C>T on transcript NM_001558.4 (MANE Select); coding-DNA position 319, C replaced by T.
Protein change: p.Arg107Trp; replaces arginine 107 with tryptophan.
Molecular consequence: missense variant. On other transcripts: non-coding transcript variant (1).
Genome position (GRCh38, 1-based): chr11:117,989,572, C>T. VCF-style: chr11-117989572-C-T. GRCh37 (hg19) VCF-style: chr11-117860287-C-T.
Other names: short protein forms R107W.
Identifiers: ClinVar variation 965791 (VCV000965791.7), dbSNP rs747009132, ClinGen allele CA6298896.
Genomic context (GRCh38, chr11:117,989,572, plus strand): 5'-ACCTTGGACCTGTACCACAGCAATGGCTACCGGGCCAGAGTGCGGGCTGTGGACGGCAGC[C>T]GGCACTCCAACTGGACCGTCACCAACACCCGCTTCTCTGTGGATGAAGGTGCTTTTCCTC-3'
Protein context (NP_001549.2, residues 97-117): RARVRAVDGS[Arg107Trp]HSNWTVTNTR

ClinVar aggregate classification (germline): Uncertain significance (1 of 4 stars; one submission).

Conditions:
Inflammatory bowel disease 28. Also called: Inflammatory bowel disease 28, early onset, autosomal recessive. Identifiers: Orphanet 238569, MedGen C2751053, MONDO:0013153, OMIM 613148.

Allele frequency attached by ClinVar (database versions not stated): gnomAD exomes below 0.00001 and 0.00001; ExAC 0.00001; gnomAD 0.00001; TOPMed 0.00002.

Submission:

Labcorp Genetics (formerly Invitae), Labcorp
Classification: Uncertain significance for Inflammatory bowel disease 28. Last evaluated: 2021-09-01. Review status: criteria provided, single submitter. Criteria: Invitae Variant Classification Sherloc (09022015). Collection method: clinical testing. Allele origin: germline.
Comment: This sequence change replaces arginine with tryptophan at codon 107 of the IL10RA protein (p.Arg107Trp). The arginine residue is weakly conserved and there is a moderate physicochemical difference between arginine and tryptophan. This variant is present in population databases (rs747009132, ExAC 0.006%). This variant has not been reported in the literature in individuals affected with IL10RA-related conditions. Algorithms developed to predict the effect of missense changes on protein structure and function are either unavailable or do not agree on the potential impact of this missense change (SIFT: "Deleterious"; PolyPhen-2: "Possibly Damaging"; Align-GVGD: "Class C0"). In summary, the available evidence is currently insufficient to determine the role of this variant in disease. Therefore, it has been classified as a Variant of Uncertain Significance.